The following is an entry in ClinVar:

ClinVar aggregate classification (germline): Uncertain significance (1 of 4 stars; one submission).

Conditions:
Hereditary breast ovarian cancer syndrome. Also called: Breast and ovarian cancer; BRCA1- and BRCA2-Associated Hereditary Breast and Ovarian Cancer; Hereditary breast and ovarian cancer; Hereditary breast and ovarian cancer syndrome (HBOC); Hereditary breast and/or ovarian cancer syndrome; Hereditary breast and ovarian cancer syndrome. Identifiers: Orphanet 145, MedGen C0677776, MeSH D061325, MONDO:0003582. Disease mechanism: loss of function.

Submission:

Labcorp Genetics (formerly Invitae), Labcorp
Classification: Uncertain significance for Hereditary breast ovarian cancer syndrome. Last evaluated: 2025-06-03. Review status: criteria provided, single submitter. Criteria: Invitae Variant Classification Sherloc (09022015). Collection method: clinical testing. Allele origin: germline.
Comment: This sequence change replaces tryptophan, which is neutral and slightly polar, with serine, which is neutral and polar, at codon 3106 of the BRCA2 protein (p.Trp3106Ser). This variant is not present in population databases (gnomAD no frequency). This missense change has been observed in individual(s) with breast cancer (PMID: 9150154). Invitae Evidence Modeling of protein sequence and biophysical properties (such as structural, functional, and spatial information, amino acid conservation, physicochemical variation, residue mobility, and thermodynamic stability) indicates that this missense variant is not expected to disrupt BRCA2 protein function with a negative predictive value of 95%. In summary, the available evidence is currently insufficient to determine the role of this variant in disease. Therefore, it has been classified as a Variant of Uncertain Significance.

Literature cited by the submitters: PubMed 9150154.

NM_000059.4(BRCA2):c.9317G>C (p.Trp3106Ser)

Gene: BRCA2 (BRCA2 DNA repair associated; plus strand). Cytogenetic location: 13q13.1.
Variant type: single nucleotide variant.
Coding change: c.9317G>C on transcript NM_000059.4 (MANE Select); coding-DNA position 9317, G replaced by C.
Protein change: p.Trp3106Ser; replaces tryptophan 3106 with serine.
Molecular consequence: missense variant. On other transcripts: non-coding transcript variant (1).
Genome position (GRCh38, 1-based): chr13:32,394,749, G>C. VCF-style: chr13-32394749-G-C. GRCh37 (hg19) VCF-style: chr13-32968886-G-C.
Other names: c.9221G>C, p.Trp3074Ser (NM_001406719.1); c.9266G>C, p.Trp3089Ser (NM_001406720.1); c.4385G>C, p.Trp1462Ser (NM_001406721.1); c.2900G>C, p.Trp967Ser (NM_001406722.1); c.9317G>C, p.Trp3106Ser (NM_001432077.1); short protein forms W3106S, W1462S, W3074S, W3089S, W967S.
Identifiers: ClinVar variation 4762226 (VCV004762226.1).